The following is an entry in ClinVar:

ClinVar aggregate classification (germline): Pathogenic (1 of 4 stars; one submission).

Submission:

GeneDx
Classification: Pathogenic. Last evaluated: 2024-07-14. Review status: criteria provided, single submitter. Criteria: GeneDx Variant Classification Process June 2021. Collection method: clinical testing. Allele origin: germline. Affected: yes.
Comment: Not observed at significant frequency in large population cohorts (gnomAD); In silico analysis supports that this missense variant has a deleterious effect on protein structure/function; Has not been previously published as pathogenic or benign to our knowledge; This variant is associated with the following publications: (PMID: 33268356)

NM_002107.7(H3-3A):c.326A>T (p.Asn109Ile)

Gene: H3-3A (H3.3 histone A; plus strand). Cytogenetic location: 1q42.12.
Variant type: single nucleotide variant.
Coding change: c.326A>T on transcript NM_002107.7 (MANE Select); coding-DNA position 326, A replaced by T.
Protein change: p.Asn109Ile; replaces asparagine 109 with isoleucine.
Molecular consequence: missense variant.
Genome position (GRCh38, 1-based): chr1:226,071,394, A>T. VCF-style: chr1-226071394-A-T. GRCh37 (hg19) VCF-style: chr1-226259095-A-T.
Other names: c.326A>T, p.Asn109Ile (NM_001379043.1, NM_001379045.1, NM_001379046.1 and 1 more transcripts); short protein forms N109I.
Identifiers: ClinVar variation 3573591 (VCV003573591.1).